The following is an entry in ClinVar:

ClinVar aggregate classification (germline): Likely pathogenic (1 of 4 stars; one submission).

Conditions:
Autosomal recessive nonsyndromic hearing loss 23. Identifiers: Orphanet 90636, MedGen C1836027, MONDO:0012293, OMIM 609533.

Submission:

Institute of Rare Diseases, West China Hospital, Sichuan University
Classification: Likely pathogenic for Autosomal recessive nonsyndromic hearing loss 23. Last evaluated: 2025-01-09. Review status: criteria provided, single submitter. Criteria: ClinGen HL ACMG Specifications v1. Collection method: research. Allele origin: germline. Affected: yes.
Comment: PVS1;PM2_Supporting

NM_001384140.1(PCDH15):c.684C>G (p.Tyr228Ter)

Gene: PCDH15 (protocadherin related 15; minus strand). Cytogenetic location: 10q21.1.
Variant type: single nucleotide variant.
Coding change: c.684C>G on transcript NM_001384140.1 (MANE Select); coding-DNA position 684, C replaced by G.
Protein change: p.Tyr228Ter; replaces tyrosine 228 with a stop codon.
Molecular consequence: nonsense. On other transcripts: intron variant (1).
Genome position (GRCh38, 1-based): chr10:54,329,617, G>C on the plus strand (C>G on the coding strand, the complement: PCDH15 is on the minus strand). VCF-style: chr10-54329617-G-C. GRCh37 (hg19) VCF-style: chr10-56089377-G-C.
Other names: c.699C>G, p.Tyr233Ter (NM_001142763.2, NM_001142769.4, NM_001142771.2); c.684C>G, p.Tyr228Ter (NM_001142764.2, NM_001142765.2, NM_001142766.2 and 7 more transcripts); c.618C>G, p.Tyr206Ter (NM_001142768.2, NM_001142773.2, NM_001354404.2); c.595-12176C>G (NM_001142767.2); short protein forms Y206*, Y228*, Y233*.
Identifiers: ClinVar variation 3601631 (VCV003601631.1).